The following is an entry in ClinVar:

ClinVar aggregate classification (germline): Benign/Likely benign. Review status: criteria provided, multiple submitters, no conflicts (2 of 4 stars). 4 submissions from 4 submitters: Benign (1); Likely benign (3). Last evaluated 2026-07-01.

Allele frequency attached by ClinVar (database versions not stated): 1000 Genomes Project 0.00060; 1000 Genomes Project 30x 0.00062; gnomAD 0.00181 and 0.00195; ExAC 0.00185; ESP Exome Variant Server 0.00185; gnomAD exomes 0.00196 and 0.00276; TOPMed 0.00228.

Submissions (6):

CeGaT Center for Human Genetics Tuebingen
Classification: Likely benign. Last evaluated: 2026-07-01. Review status: criteria provided, single submitter. Criteria: CeGaT Center For Human Genetics Tuebingen Variant Classification Criteria Version 2. Collection method: clinical testing. Allele origin: germline. Affected: yes. Observed: 4 variant alleles.
Comment: UROC1: BS2

Blueprint Genetics
Classification: Likely benign. Last evaluated: 2024-11-22. Review status: criteria provided, single submitter. Criteria: ACMG Guidelines, 2015. Collection method: clinical testing. Allele origin: germline.

Labcorp Genetics (formerly Invitae), Labcorp
Classification: Benign. Last evaluated: 2019-12-31. Review status: criteria provided, single submitter. Criteria: Invitae Variant Classification Sherloc (09022015). Collection method: clinical testing. Allele origin: germline.

Breakthrough Genomics
Classification: Likely benign. Review status: criteria provided, single submitter. Criteria: ACMG Guidelines, 2015. Collection method: not provided. Allele origin: germline. Inheritance: Autosomal recessive inheritance. Affected: yes.

Dr. Peter K. Rogan Lab, Western University
No classification provided (evidence only). Condition: Melanoma. Review status: no classification provided. Collection method: in vitro. Allele origin: not applicable. Functional consequence: skipped exon, retained intron. Not counted in ClinVar's aggregate classification.

Dr. Peter K. Rogan Lab, Western University
No classification provided (evidence only). Condition: Thyroid cancer, nonmedullary, 1. Review status: no classification provided. Collection method: in vitro. Allele origin: not applicable. Functional consequence: retained intron. Not counted in ClinVar's aggregate classification.

NM_144639.3(UROC1):c.1782C>T (p.Gly594=)

Gene: UROC1 (urocanate hydratase 1; minus strand). Cytogenetic location: 3q21.3.
Variant type: single nucleotide variant.
Coding change: c.1782C>T on transcript NM_144639.3 (MANE Select); coding-DNA position 1782, C replaced by T.
Protein change: p.Gly594=; no amino-acid change (glycine 594 retained).
Molecular consequence: synonymous variant.
Genome position (GRCh38, 1-based): chr3:126,488,206, G>A on the plus strand (C>T on the coding strand, the complement: UROC1 is on the minus strand). VCF-style: chr3-126488206-G-A. GRCh37 (hg19) VCF-style: chr3-126207049-G-A.
Other names: NC_000003.11:g.126207049G>A; c.1962C>T, p.Gly654= (NM_001165974.2).
Identifiers: ClinVar variation 726175 (VCV000726175.41), dbSNP rs139120643, ClinGen allele CA2590870.
Genomic context (GRCh38, chr3:126,488,206, plus strand): 5'-ACCCCCAAAACTTCCACATCAGCCCACACCCTGTCCTCTGAAACCTTCTTACCAGCCCAC[G>A]CCCCCTCCGTTGTGAAGGGCGACCCAGGTGGCTCCGCGACAGGCATCTCCCACGAAGTTC-3'
Protein context (NP_653240.1, residues 584-604): ATWVALHNGG[Gly594=]VGWGEVINGG